The following is an entry in ClinVar:

ClinVar aggregate classification (germline): Uncertain significance. Review status: criteria provided, multiple submitters, no conflicts (2 of 4 stars). 2 submissions from 2 submitters: Uncertain significance (2). Last evaluated 2022-05-27.

Conditions:
Hereditary cancer-predisposing syndrome. Also called: Neoplastic Syndromes, Hereditary; Hereditary Cancer Syndrome; Tumor predisposition; Hereditary neoplastic syndrome. Identifiers: Orphanet 140162, MedGen C0027672, MeSH D009386, MONDO:0015356.

Allele frequency attached by ClinVar (database versions not stated): TOPMed below 0.00001; gnomAD 0.00001.
gnomAD v4.1: 1 of 1,613,644 alleles (0.000062%); no homozygotes.

Submissions (2):

Labcorp Genetics (formerly Invitae), Labcorp
Classification: Uncertain significance. Last evaluated: 2022-05-27. Review status: criteria provided, single submitter. Criteria: Invitae Variant Classification Sherloc (09022015). Collection method: clinical testing. Allele origin: germline.
Comment: Algorithms developed to predict the effect of missense changes on protein structure and function (SIFT, PolyPhen-2, Align-GVGD) all suggest that this variant is likely to be tolerated. In summary, the available evidence is currently insufficient to determine the role of this variant in disease. Therefore, it has been classified as a Variant of Uncertain Significance. ClinVar contains an entry for this variant (Variation ID: 573208). This variant has not been reported in the literature in individuals affected with SMARCB1-related conditions. This variant is not present in population databases (gnomAD no frequency). This sequence change replaces threonine, which is neutral and polar, with serine, which is neutral and polar, at codon 56 of the SMARCB1 protein (p.Thr56Ser).

Ambry Genetics
Classification: Uncertain significance for Hereditary cancer-predisposing syndrome. Last evaluated: 2022-03-02. Review status: criteria provided, single submitter. Criteria: Ambry Variant Classification Scheme 2023. Collection method: clinical testing. Allele origin: germline.
Comment: The p.T56S variant (also known as c.166A>T), located in coding exon 2 of the SMARCB1 gene, results from an A to T substitution at nucleotide position 166. The threonine at codon 56 is replaced by serine, an amino acid with similar properties. This amino acid position is well conserved in available vertebrate species. In addition, this alteration is predicted to be tolerated by in silico analysis. Missense and in-frame variants in SMARCB1 are known to cause neurodevelopmental disorders; however, such associations with rhabdoid tumor predisposition syndrome are exceedingly rare (Kosho T et al. Am J Med Genet C Semin Med Genet. 2014 Sep;166C(3):262-75; Eaton KW et al. Pediatr Blood Cancer. 2011 Jan;56(1):7-15). Based on the supporting evidence, the association of this alteration with Coffin-Siris syndrome is unknown; however, the association of this alteration with rhabdoid tumor predisposition syndrome is unlikely.

NM_003073.5(SMARCB1):c.166A>T (p.Thr56Ser)

Gene: SMARCB1 (SWI/SNF related BAF chromatin remodeling complex subunit B1; plus strand). Cytogenetic location: 22q11.23.
Variant type: single nucleotide variant.
Coding change: c.166A>T on transcript NM_003073.5 (MANE Select); coding-DNA position 166, A replaced by T.
Protein change: p.Thr56Ser; replaces threonine 56 with serine.
Molecular consequence: missense variant.
Genome position (GRCh38, 1-based): chr22:23,791,828, A>T. VCF-style: chr22-23791828-A-T. GRCh37 (hg19) VCF-style: chr22-24134015-A-T.
Other names: c.166A>T (LRG_520t1); c.166A>T, p.Thr56Ser (NM_001007468.3, NM_001317946.2, NM_001362877.2); short protein forms T56S.
Identifiers: ClinVar variation 573208 (VCV000573208.11), dbSNP rs1568936098, ClinGen allele CA410932799.
Genomic context (GRCh38, chr22:23,791,828, plus strand): 5'-CTCCGTATGTTCCGAGGTTCTCTGTACAAGAGATACCCCTCACTCTGGAGGCGACTAGCC[A>T]CTGTGGAAGAGAGGAAGAAAATAGTTGCATCGTCACATGGTAAAAAAACAAAACCTAACA-3'
Protein context (NP_003064.2, residues 46-66): RYPSLWRRLA[Thr56Ser]VEERKKIVAS